The following is an entry in ClinVar:

ClinVar aggregate classification (germline): Pathogenic/Likely pathogenic. Review status: criteria provided, multiple submitters, no conflicts (2 of 4 stars). 4 submissions from 4 submitters: Pathogenic (1); Likely pathogenic (1). 2 of the submissions do not count toward it. Last evaluated 2022-06-27.

Conditions:
Retinitis pigmentosa 4 (RP4). Also called: RETINITIS PIGMENTOSA, RHODOPSIN-RELATED. Identifiers: Orphanet 791, MedGen C3151001, MONDO:0013395, OMIM 613731.
Retinal dystrophy. Also called: Inherited retinal dystrophy. Identifiers: Orphanet 71862, MedGen C0854723, MeSH D058499, MONDO:0019118, HP:0000556.
Retinitis pigmentosa (RP). Identifiers: Orphanet 791, MedGen C0035334, MeSH D012174, MONDO:0019200, OMIM 268000. Inheritance: Autosomal dominant, autosomal recessive and X linked inheritance.

Submissions (4):

Labcorp Genetics (formerly Invitae), Labcorp
Classification: Pathogenic. Last evaluated: 2022-06-27. Review status: criteria provided, single submitter. Criteria: Invitae Variant Classification Sherloc (09022015). Collection method: clinical testing. Allele origin: germline.
Comment: For these reasons, this variant has been classified as Pathogenic. Experimental studies have shown that this missense change affects RHO function (PMID: 30977563). Advanced modeling of protein sequence and biophysical properties (such as structural, functional, and spatial information, amino acid conservation, physicochemical variation, residue mobility, and thermodynamic stability) performed at Invitae indicates that this missense variant is not expected to disrupt RHO protein function. ClinVar contains an entry for this variant (Variation ID: 636084). This missense change has been observed in individuals with autosomal dominant retinitis pigmentosa (PMID: 11139241, 30718709, 31908405; Invitae). This variant is not present in population databases (gnomAD no frequency). This sequence change replaces serine, which is neutral and polar, with arginine, which is basic and polar, at codon 270 of the RHO protein (p.Ser270Arg).

Centre for Genomic Medicine, Manchester, Central Manchester University Hospitals
Classification: Likely pathogenic for Retinitis pigmentosa 4. Last evaluated: 2020-09-01. Review status: criteria provided, single submitter. Criteria: ACMG Guidelines, 2015. Collection method: clinical testing. Allele origin: germline. Affected: yes. Observed: 1 heterozygote.

Department of Clinical Genetics, Copenhagen University Hospital, Rigshospitalet
Classification: Pathogenic for Retinitis pigmentosa. Last evaluated: 2018-04-01. Review status: no assertion criteria provided. Collection method: research. Allele origin: unknown. Affected: yes. Study: VeluxRD. Not counted in ClinVar's aggregate classification.

Dept Of Ophthalmology, Nagoya University
Classification: Uncertain significance for Retinal dystrophy. Last evaluated: 2023-10-01. Review status: flagged submission. Criteria: Submitter's publication. Collection method: research. Allele origin: germline. Affected: yes. Not counted in ClinVar's aggregate classification.
ClinVar note: Reason: Outlier claim with insufficient supporting evidence

Literature cited by the submitters: PubMed 30977563 (cited by Labcorp Genetics (formerly Invitae), Labcorp); PubMed 11139241 (cited by Labcorp Genetics (formerly Invitae), Labcorp); PubMed 30718709 (cited by Labcorp Genetics (formerly Invitae), Labcorp and Department of Clinical Genetics, Copenhagen University Hospital, Rigshospitalet); PubMed 31908405 (cited by Labcorp Genetics (formerly Invitae), Labcorp).

NM_000539.3(RHO):c.810C>A (p.Ser270Arg)

Gene: RHO (rhodopsin; plus strand). Cytogenetic location: 3q22.1.
Variant type: single nucleotide variant.
Coding change: c.810C>A on transcript NM_000539.3 (MANE Select); coding-DNA position 810, C replaced by A.
Protein change: p.Ser270Arg; replaces serine 270 with arginine.
Molecular consequence: missense variant.
Genome position (GRCh38, 1-based): chr3:129,532,646, C>A. VCF-style: chr3-129532646-C-A. GRCh37 (hg19) VCF-style: chr3-129251489-C-A.
Other names: short protein forms S270R.
Identifiers: ClinVar variation 636084 (VCV000636084.10), dbSNP rs768210562, ClinGen allele CA354470425.